The following is an entry in ClinVar:

NM_002834.5(PTPN11):c.1739A>G (p.Tyr580Cys)

Gene: PTPN11 (protein tyrosine phosphatase non-receptor type 11; plus strand). Cytogenetic location: 12q24.13.
Variant type: single nucleotide variant.
Coding change: c.1739A>G on transcript NM_002834.5 (MANE Select); coding-DNA position 1739, A replaced by G.
Protein change: p.Tyr580Cys; replaces tyrosine 580 with cysteine.
Molecular consequence: missense variant.
Genome position (GRCh38, 1-based): chr12:112,504,721, A>G. VCF-style: chr12-112504721-A-G. GRCh37 (hg19) VCF-style: chr12-112942525-A-G.
Other names: c.1751A>G, p.Tyr584Cys (NM_001330437.2); c.1736A>G, p.Tyr579Cys (NM_001374625.1); short protein forms Y584C, Y579C, Y580C.
Identifiers: ClinVar variation 931758 (VCV000931758.4), dbSNP rs2038914051, ClinGen allele CA386784440.

ClinVar aggregate classification (germline): Uncertain significance. Review status: criteria provided, multiple submitters, no conflicts (2 of 4 stars). 2 submissions from 2 submitters: Uncertain significance (2). Last evaluated 2024-06-04.

Conditions:
Noonan syndrome 1 (NS1). Also called: FEMALE PSEUDO-TURNER SYNDROME; TURNER PHENOTYPE WITH NORMAL KARYOTYPE; PTPN11-Related Noonan Syndrome. Identifiers: Orphanet 648, MedGen C4551602, MONDO:0008104, OMIM 163950. Disease mechanism: gain of function.
Juvenile myelomonocytic leukemia (JMML). Also called: LEUKEMIA, JUVENILE MYELOMONOCYTIC, SOMATIC. Identifiers: Orphanet 86834, MedGen C0349639, MONDO:0011908, OMIM 607785, HP:0012209.
Metachondromatosis (METCDS). Identifiers: Orphanet 2499, MedGen C0410530, MONDO:0007979, OMIM 156250.
LEOPARD syndrome 1 (LPRD1). Also called: LENTIGINOSIS, CARDIOMYOPATHIC; MULTIPLE LENTIGINES SYNDROME; PTPN11-Related LEOPARD Syndrome. Identifiers: Orphanet 500, MedGen C4551484, MONDO:0100082, OMIM 151100.

Allele frequency attached by ClinVar (database versions not stated): gnomAD exomes below 0.00001.
gnomAD v4.1: 5 of 1,592,192 alleles (0.00031%); highest among the groups gnomAD compares: Non-Finnish European, 0.00043%; no homozygotes.

Submissions (2):

Fulgent Genetics
Classification: Uncertain significance for LEOPARD syndrome 1; Metachondromatosis; Noonan syndrome 1; Juvenile myelomonocytic leukemia. Last evaluated: 2024-06-04. Review status: criteria provided, single submitter. Criteria: ACMG Guidelines, 2015. Collection method: clinical testing. Allele origin: germline.

Centre for Mendelian Genomics, University Medical Centre Ljubljana
Classification: Uncertain significance for LEOPARD syndrome 1. Last evaluated: 2020-02-06. Review status: criteria provided, single submitter. Criteria: ACMG Guidelines, 2015. Collection method: clinical testing. Allele origin: unknown. Affected: yes.
Comment: This variant was classified as: Uncertain significance. The available evidence on this variant's pathogenicity is insufficient or conflicting. The following ACMG criteria were applied in classifying this variant: PM2,PP3.